The following is an entry in ClinVar:

ClinVar aggregate classification (germline): Uncertain significance. Review status: criteria provided, multiple submitters, no conflicts (2 of 4 stars). 3 submissions from 3 submitters: Uncertain significance (3). Last evaluated 2025-08-21.

Conditions:
Developmental and epileptic encephalopathy, 53. Also called: Epileptic encephalopathy, early infantile, 53. Identifiers: MedGen C4479313, MONDO:0033362, OMIM 617389.
Early-onset Parkinson disease 20. Also called: PARKINSON DISEASE 20, AUTOSOMAL RECESSIVE EARLY-ONSET. Identifiers: Orphanet 391411, MedGen C3809824, MONDO:0014233, OMIM 615530.
Inborn genetic diseases. Identifiers: MedGen C0950123, MeSH D030342.

Allele frequency attached by ClinVar (database versions not stated): gnomAD 0.00003; TOPMed 0.00003.
gnomAD v4.1: 4 of 1,601,754 alleles (0.00025%); highest among the groups gnomAD compares: African/African-American, 0.0054%; no homozygotes.

Submissions (3):

Labcorp Genetics (formerly Invitae), Labcorp
Classification: Uncertain significance for Developmental and epileptic encephalopathy, 53; Early-onset Parkinson disease 20. Last evaluated: 2025-08-21. Review status: criteria provided, single submitter. Criteria: Invitae Variant Classification Sherloc (09022015). Collection method: clinical testing. Allele origin: germline.
Comment: This sequence change replaces alanine, which is neutral and non-polar, with serine, which is neutral and polar, at codon 1171 of the SYNJ1 protein (p.Ala1171Ser). This variant is present in population databases (no rsID available, gnomAD 0.02%). This variant has not been reported in the literature in individuals affected with SYNJ1-related conditions. ClinVar contains an entry for this variant (Variation ID: 2048842). An algorithm developed to predict the effect of missense changes on protein structure and function outputs the following: PolyPhen-2: "Benign". The serine amino acid residue is found in multiple mammalian species, which suggests that this missense change does not adversely affect protein function. In summary, the available evidence is currently insufficient to determine the role of this variant in disease. Therefore, it has been classified as a Variant of Uncertain Significance.

Ambry Genetics
Classification: Uncertain significance for Inborn genetic diseases. Last evaluated: 2023-12-16. Review status: criteria provided, single submitter. Criteria: Ambry Variant Classification Scheme 2023. Collection method: clinical testing. Allele origin: germline.

Neuberg Centre For Genomic Medicine, NCGM
Classification: Uncertain significance for Early-onset Parkinson disease 20. Review status: criteria provided, single submitter. Criteria: ACMG Guidelines, 2015. Collection method: clinical testing. Allele origin: germline. Inheritance: Autosomal recessive inheritance. Affected: yes.
Comment: The missense c.3394G>T (p.Ala1132Ser) variant in SYNJI gene has not been reported previously as a pathogenic variant nor as a benign variant, to our knowledge. The amino acid Ala at position 1132 is changed to a Ser changing protein sequence and it might alter its composition and physico-chemical properties. The amino acid change p.Ala1132Ser in SYNJ1 is predicted as conserved by GERP++ and PhyloP across 100 vertebrates. For these reasons, this variant has been classified as Uncertain Significance. In the absence of second reportable variant , the molecular diagnosis is not confirmed.

NM_203446.3(SYNJ1):c.3394G>T (p.Ala1132Ser)

Gene: SYNJ1 (synaptojanin 1; minus strand). Cytogenetic location: 21q22.11.
Variant type: single nucleotide variant.
Coding change: c.3394G>T on transcript NM_203446.3 (MANE Select); coding-DNA position 3394, G replaced by T.
Protein change: p.Ala1132Ser; replaces alanine 1132 with serine.
Molecular consequence: missense variant. On other transcripts: intron variant (1).
Genome position (GRCh38, 1-based): chr21:32,645,004, C>A on the plus strand (G>T on the coding strand, the complement: SYNJ1 is on the minus strand). VCF-style: chr21-32645004-C-A. GRCh37 (hg19) VCF-style: chr21-34017314-C-A.
Other names: c.3394G>T, p.Ala1132Ser (NM_001160302.2); c.3511G>T, p.Ala1171Ser (NM_003895.4); c.3376+642G>T (NM_001160306.2); short protein forms A1171S, A1132S.
Identifiers: ClinVar variation 2048842 (VCV002048842.5), dbSNP rs902185670, ClinGen allele CA319422676.